The following is an entry in ClinVar:

ClinVar aggregate classification (germline): Benign. Review status: criteria provided, multiple submitters, no conflicts (2 of 4 stars). 3 submissions from 3 submitters: Benign (3). Last evaluated 2026-01-28.

Allele frequency attached by ClinVar (database versions not stated): gnomAD exomes 0.00627 and 0.01721; ESP Exome Variant Server 0.07658; ExAC 0.02087; gnomAD 0.07071 and 0.06620; 1000 Genomes Project 30x 0.07886; 1000 Genomes Project 0.07208; TOPMed 0.07467.
gnomAD v4.1: 19,649 of 1,614,094 alleles (1.2%); highest among the groups gnomAD compares: African/African-American, 23%; 2,072 homozygotes.

Submissions (3):

Labcorp Genetics (formerly Invitae), Labcorp
Classification: Benign. Last evaluated: 2026-01-28. Review status: criteria provided, single submitter. Criteria: Invitae Variant Classification Sherloc (09022015). Collection method: clinical testing. Allele origin: germline.

GeneDx
Classification: Benign. Last evaluated: 2014-01-04. Review status: criteria provided, single submitter. Criteria: GeneDx Variant Classification (06012015). Collection method: clinical testing. Allele origin: germline. Affected: yes.
Comment: This variant is considered likely benign or benign based on one or more of the following criteria: it is a conservative change, it occurs at a poorly conserved position in the protein, it is predicted to be benign by multiple in silico algorithms, and/or has population frequency not consistent with disease.

Breakthrough Genomics
Classification: Benign. Review status: criteria provided, single submitter. Criteria: ACMG Guidelines, 2015. Collection method: not provided. Allele origin: germline. Inheritance: Unknown mechanism. Affected: yes.

NM_144736.5(NDUFAF7):c.115C>G (p.Pro39Ala)

Gene: NDUFAF7 (NADH:ubiquinone oxidoreductase complex assembly factor 7; plus strand). Cytogenetic location: 2p22.2.
Variant type: single nucleotide variant.
Coding change: c.115C>G on transcript NM_144736.5 (MANE Select); coding-DNA position 115, C replaced by G.
Protein change: p.Pro39Ala; replaces proline 39 with alanine.
Molecular consequence: missense variant. On other transcripts: non-coding transcript variant (10).
Genome position (GRCh38, 1-based): chr2:37,232,165, C>G. VCF-style: chr2-37232165-C-G. GRCh37 (hg19) VCF-style: chr2-37459308-C-G.
Other names: p.P39A:CCG>GCG; c.115C>G, p.Pro39Ala (NM_001083946.2, NM_001350024.2, NM_001350025.2 and 1 more transcripts); short protein forms P39A.
Identifiers: ClinVar variation 138462 (VCV000138462.10), dbSNP rs2714473, ClinGen allele CA292460.